The following is an entry in ClinVar:

NM_032119.4(ADGRV1):c.17686T>C (p.Tyr5896His)

Gene: ADGRV1 (adhesion G protein-coupled receptor V1; plus strand). Cytogenetic location: 5q14.3.
Variant type: single nucleotide variant.
Coding change: c.17686T>C on transcript NM_032119.4 (MANE Select); coding-DNA position 17686, T replaced by C.
Protein change: p.Tyr5896His; replaces tyrosine 5896 with histidine.
Molecular consequence: missense variant. On other transcripts: non-coding transcript variant (1).
Genome position (GRCh38, 1-based): chr5:90,855,832, T>C. VCF-style: chr5-90855832-T-C. GRCh37 (hg19) VCF-style: chr5-90151649-T-C.
Other names: c.17686T>C (NM_032119.3); short protein forms Y5896H.
Identifiers: ClinVar variation 1476444 (VCV001476444.5), dbSNP rs1766972266, ClinGen allele CA360430949.

ClinVar aggregate classification (germline): Uncertain significance. Review status: criteria provided, multiple submitters, no conflicts (2 of 4 stars). 4 submissions from 4 submitters: Uncertain significance (4). Last evaluated 2025-04-07.

Conditions:
Inborn genetic diseases. Identifiers: MedGen C0950123, MeSH D030342.

Allele frequency attached by ClinVar (database versions not stated): TOPMed 0.00001.

Submissions (4):

Ambry Genetics
Classification: Uncertain significance for Inborn genetic diseases. Last evaluated: 2025-04-07. Review status: criteria provided, single submitter. Criteria: Ambry Variant Classification Scheme 2023. Collection method: clinical testing. Allele origin: germline.

GeneDx
Classification: Uncertain significance. Last evaluated: 2023-08-03. Review status: criteria provided, single submitter. Criteria: GeneDx Variant Classification Process June 2021. Collection method: clinical testing. Allele origin: germline. Affected: yes.
Comment: Not observed at significant frequency in large population cohorts (gnomAD); In silico analysis supports that this missense variant does not alter protein structure/function; Has not been previously published as pathogenic or benign to our knowledge

Labcorp Genetics (formerly Invitae), Labcorp
Classification: Uncertain significance. Last evaluated: 2021-07-28. Review status: criteria provided, single submitter. Criteria: Invitae Variant Classification Sherloc (09022015). Collection method: clinical testing. Allele origin: germline.
Comment: This sequence change replaces tyrosine with histidine at codon 5896 of the ADGRV1 protein (p.Tyr5896His). The tyrosine residue is moderately conserved and there is a moderate physicochemical difference between tyrosine and histidine. This variant is not present in population databases (ExAC no frequency). This variant has not been reported in the literature in individuals affected with ADGRV1-related conditions. Algorithms developed to predict the effect of missense changes on protein structure and function are either unavailable or do not agree on the potential impact of this missense change (SIFT: "Tolerated"; PolyPhen-2: "Probably Damaging"; Align-GVGD: "Class C0"). In summary, the available evidence is currently insufficient to determine the role of this variant in disease. Therefore, it has been classified as a Variant of Uncertain Significance.

Blueprint Genetics
Classification: Uncertain significance. Last evaluated: 2017-06-09. Review status: criteria provided, single submitter. Criteria: ACMG Guidelines, 2015. Collection method: clinical testing. Allele origin: germline.